The following is an entry in ClinVar:

ClinVar aggregate classification (germline): Conflicting classifications of pathogenicity. Review status: criteria provided, conflicting classifications (1 of 4 stars). 3 submissions from 3 submitters: Likely pathogenic (1); Uncertain significance (2). Last evaluated 2025-11-25.

Conditions:
Primary ciliary dyskinesia. Also called: Ciliary dyskinesia. Identifiers: Orphanet 244, MedGen C0008780, MONDO:0016575, HP:0012265.

Allele frequency attached by ClinVar (database versions not stated): TOPMed below 0.00001; gnomAD 0.00001; gnomAD exomes 0.00001; ExAC 0.00002; 1000 Genomes Project 30x 0.00016; 1000 Genomes Project 0.00020.
gnomAD v4.1: 8 of 1,611,590 alleles (0.0005%); highest among the groups gnomAD compares: East Asian, 0.0045%; no homozygotes.

Submissions (3):

Ambry Genetics
Classification: Uncertain significance for Primary ciliary dyskinesia. Last evaluated: 2025-11-25. Review status: criteria provided, single submitter. Criteria: Ambry Variant Classification Scheme 2023. Collection method: clinical testing. Allele origin: germline.
Comment: The p.R1834C variant (also known as c.5500C>T), located in coding exon 32 of the DNAH11 gene, results from a C to T substitution at nucleotide position 5500. The arginine at codon 1834 is replaced by cysteine, an amino acid with highly dissimilar properties. This variant has been identified in the homozygous state and/or in conjunction with other DNAH11 variant(s) in individual(s) with features consistent with primary ciliary dyskinesia (Kennelly SS et al. Pediatr Pulmonol, 2024 Dec;59:3560-3568; external communication). This amino acid position is highly conserved in available vertebrate species. In addition, this alteration is predicted to be deleterious by in silico analysis. Based on the available evidence, the clinical significance of this variant remains unclear.

Women's Health and Genetics/Laboratory Corporation of America, LabCorp
Classification: Uncertain significance. Last evaluated: 2025-10-30. Review status: criteria provided, single submitter. Criteria: LabCorp Variant Classification Summary - May 2015. Collection method: clinical testing. Allele origin: germline.
Comment: Variant summary: DNAH11 c.5500C>T (p.Arg1834Cys) results in a non-conservative amino acid change in the encoded protein sequence. Algorithms developed to predict the effect of missense changes on protein structure and function are either unavailable or do not agree on the potential impact of this missense change. The variant allele was found at a frequency of 8.1e-06 in 247314 control chromosomes. The available data on variant occurrences in the general population are insufficient to allow any conclusion about variant significance. These data do not allow any conclusion about variant significance. To our knowledge, no experimental evidence demonstrating an impact on protein function has been reported. ClinVar contains an entry for this variant (Variation ID: 580086). Based on the evidence outlined above, the variant was classified as uncertain significance.

Labcorp Genetics (formerly Invitae), Labcorp
Classification: Likely pathogenic for Primary ciliary dyskinesia. Last evaluated: 2023-10-05. Review status: criteria provided, single submitter. Criteria: Invitae Variant Classification Sherloc (09022015). Collection method: clinical testing. Allele origin: germline.
Comment: This sequence change replaces arginine, which is basic and polar, with cysteine, which is neutral and slightly polar, at codon 1834 of the DNAH11 protein (p.Arg1834Cys). This variant is present in population databases (rs180897552, gnomAD 0.006%). This missense change has been observed in individuals with clinical features of primary ciliary dyskinesia (Invitae). ClinVar contains an entry for this variant (Variation ID: 580086). Advanced modeling of protein sequence and biophysical properties (such as structural, functional, and spatial information, amino acid conservation, physicochemical variation, residue mobility, and thermodynamic stability) has been performed at Invitae for this missense variant, however the output from this modeling did not meet the statistical confidence thresholds required to predict the impact of this variant on DNAH11 protein function. Algorithms developed to predict the effect of sequence changes on RNA splicing suggest that this variant may disrupt the consensus splice site. This variant disrupts the p.Arg1834 amino acid residue in DNAH11. Other variant(s) that disrupt this residue have been observed in individuals with DNAH11-related conditions (PMID: 24450482), which suggests that this may be a clinically significant amino acid residue. In summary, the currently available evidence indicates that the variant is pathogenic, but additional data are needed to prove that conclusively. Therefore, this variant has been classified as Likely Pathogenic.

Literature cited by the submitters: PubMed 39291788 (cited by Ambry Genetics); PubMed 24450482 (cited by Labcorp Genetics (formerly Invitae), Labcorp).

NM_001277115.2(DNAH11):c.5500C>T (p.Arg1834Cys)

Gene: DNAH11 (dynein axonemal heavy chain 11; plus strand). Cytogenetic location: 7p15.3.
Variant type: single nucleotide variant.
Coding change: c.5500C>T on transcript NM_001277115.2 (MANE Select); coding-DNA position 5500, C replaced by T.
Protein change: p.Arg1834Cys; replaces arginine 1834 with cysteine.
Molecular consequence: missense variant.
Genome position (GRCh38, 1-based): chr7:21,683,823, C>T. VCF-style: chr7-21683823-C-T. GRCh37 (hg19) VCF-style: chr7-21723441-C-T.
Other names: short protein forms R1834C.
Identifiers: ClinVar variation 580086 (VCV000580086.8), dbSNP rs180897552, ClinGen allele CA4180457.